The following is an entry in ClinVar:

NM_000088.4(COL1A1):c.2451+2T>C

Gene: COL1A1 (collagen type I alpha 1 chain; minus strand). Cytogenetic location: 17q21.33.
Variant type: single nucleotide variant.
Coding change: c.2451+2T>C on transcript NM_000088.4 (MANE Select); the canonical splice donor site of the intron after coding-DNA position 2451, T replaced by C.
Molecular consequence: splice donor variant.
Genome position (GRCh38, 1-based): chr17:50,190,325, A>G on the plus strand (T>C on the coding strand, the complement: COL1A1 is on the minus strand). VCF-style: chr17-50190325-A-G. GRCh37 (hg19) VCF-style: chr17-48267686-A-G.
Identifiers: ClinVar variation 2763985 (VCV002763985.3), dbSNP rs2509190507, ClinGen allele CA400207904.

ClinVar aggregate classification (germline): Pathogenic (1 of 4 stars; one submission).

Conditions:
Osteogenesis imperfecta type I (OI1). Also called: Classic Non-deforming Osteogenesis Imperfecta with Blue Sclerae; OI, TYPE I; OSTEOGENESIS IMPERFECTA TARDA; OSTEOGENESIS IMPERFECTA WITH BLUE SCLERAE; Osteogenesis imperfecta type 1; Lobstein's Disease. Identifiers: Orphanet 216796, Orphanet 666, MedGen C0023931, MONDO:0008146, OMIM 166200. Disease mechanism: loss of function.

Submission:

Labcorp Genetics (formerly Invitae), Labcorp
Classification: Pathogenic for Osteogenesis imperfecta type I. Last evaluated: 2023-09-30. Review status: criteria provided, single submitter. Criteria: Invitae Variant Classification Sherloc (09022015). Collection method: clinical testing. Allele origin: germline.
Comment: This sequence change affects a donor splice site in intron 35 of the COL1A1 gene. It is expected to disrupt RNA splicing. Variants that disrupt the donor or acceptor splice site typically lead to a loss of protein function (PMID: 16199547), and loss-of-function variants in COL1A1 are known to be pathogenic (PMID: 7942841, 9295084, 9443882). This variant is not present in population databases (gnomAD no frequency). Disruption of this splice site has been observed in individual(s) with osteogenesis imperfecta (PMID: 25963598). Algorithms developed to predict the effect of sequence changes on RNA splicing suggest that this variant may disrupt the consensus splice site. For these reasons, this variant has been classified as Pathogenic.

Literature cited by the submitters: PubMed 16199547; PubMed 7942841; PubMed 9295084; PubMed 9443882; PubMed 25963598.